The following is an entry in ClinVar:

ClinVar aggregate classification (germline): Uncertain significance (1 of 4 stars; one submission).

Conditions:
Inborn genetic diseases. Identifiers: MedGen C0950123, MeSH D030342.

Allele frequency attached by ClinVar (database versions not stated): TOPMed below 0.00001.

Submission:

Ambry Genetics
Classification: Uncertain significance for Inborn genetic diseases. Last evaluated: 2020-03-18. Review status: criteria provided, single submitter. Criteria: Ambry Variant Classification Scheme 2023. Collection method: clinical testing. Allele origin: germline.
Comment: The p.W659R variant (also known as c.1975T>C), located in coding exon 14 of the FGD4 gene, results from a T to C substitution at nucleotide position 1975. The tryptophan at codon 659 is replaced by arginine, an amino acid with dissimilar properties. This amino acid position is highly conserved in available vertebrate species. In addition, this alteration is predicted to be deleterious by in silico analysis. Since supporting evidence is limited at this time, the clinical significance of this alteration remains unclear.

NM_001370298.3(FGD4):c.2386T>C (p.Trp796Arg)

Gene: FGD4 (FYVE, RhoGEF and PH domain containing 4; plus strand). Cytogenetic location: 12p11.21.
Variant type: single nucleotide variant.
Coding change: c.2386T>C on transcript NM_001370298.3 (MANE Select); coding-DNA position 2386, T replaced by C.
Protein change: p.Trp796Arg; replaces tryptophan 796 with arginine.
Molecular consequence: missense variant.
Genome position (GRCh38, 1-based): chr12:32,638,727, T>C. VCF-style: chr12-32638727-T-C. GRCh37 (hg19) VCF-style: chr12-32791661-T-C.
Other names: c.2230T>C, p.Trp744Arg (NM_001304481.2); c.1231T>C, p.Trp411Arg (NM_001304483.2); c.943T>C, p.Trp315Arg (NM_001304484.2); c.1696T>C, p.Trp566Arg (NM_001330373.2, NM_001330374.2, NM_001384130.1); c.1423T>C, p.Trp475Arg (NM_001370297.1); c.2386T>C, p.Trp796Arg (NM_001384126.1); c.1975T>C, p.Trp659Arg (NM_001384127.1, NM_001384128.1, NM_001385118.1 and 1 more transcripts); short protein forms W315R, W411R, W796R, W475R, W566R, W659R, W744R.
Identifiers: ClinVar variation 1783702 (VCV001783702.2), dbSNP rs1950990735, ClinGen allele CA384372055.